The following is an entry in ClinVar:

NM_001258392.3(CLPB):c.877C>A (p.Gln293Lys)

Gene: CLPB (ClpB family mitochondrial disaggregase; minus strand). Cytogenetic location: 11q13.4.
Variant type: single nucleotide variant.
Coding change: c.877C>A on transcript NM_001258392.3 (MANE Select); coding-DNA position 877, C replaced by A.
Protein change: p.Gln293Lys; replaces glutamine 293 with lysine.
Molecular consequence: missense variant.
Genome position (GRCh38, 1-based): chr11:72,317,217, G>T on the plus strand (C>A on the coding strand, the complement: CLPB is on the minus strand). VCF-style: chr11-72317217-G-T. GRCh37 (hg19) VCF-style: chr11-72028261-G-T.
Other names: c.790C>A, p.Gln264Lys (NM_001258393.3); c.832C>A, p.Gln278Lys (NM_001258394.3); c.967C>A, p.Gln323Lys (NM_030813.6); short protein forms Q323K, Q264K, Q278K, Q293K.
Identifiers: ClinVar variation 1463611 (VCV001463611.8), dbSNP rs1949961706, ClinGen allele CA381738774.

ClinVar aggregate classification (germline): Uncertain significance (1 of 4 stars; one submission).

Conditions:
3-methylglutaconic aciduria, type VIIB (MGCA7B). Also called: CLPB Deficiency; 3-methylglutaconic aciduria with cataracts, neurologic involvement and neutropenia; 3-methylglutaconic aciduria, type VII, with cataracts, neurologic involvement and neutropenia. Identifiers: Orphanet 445038, MedGen C5676893, MONDO:0014561, OMIM 616271.

Submission:

Labcorp Genetics (formerly Invitae), Labcorp
Classification: Uncertain significance for 3-methylglutaconic aciduria, type VIIB. Last evaluated: 2025-02-02. Review status: criteria provided, single submitter. Criteria: Invitae Variant Classification Sherloc (09022015). Collection method: clinical testing. Allele origin: germline.
Comment: This sequence change replaces glutamine, which is neutral and polar, with lysine, which is basic and polar, at codon 323 of the CLPB protein (p.Gln323Lys). This variant is not present in population databases (gnomAD no frequency). This variant has not been reported in the literature in individuals affected with CLPB-related conditions. ClinVar contains an entry for this variant (Variation ID: 1463611). An algorithm developed to predict the effect of missense changes on protein structure and function (PolyPhen-2) suggests that this variant is likely to be tolerated. In summary, the available evidence is currently insufficient to determine the role of this variant in disease. Therefore, it has been classified as a Variant of Uncertain Significance.